The following is an entry in ClinVar:

ClinVar aggregate classification (germline): Uncertain significance (1 of 4 stars; one submission).

Conditions:
Primary ciliary dyskinesia. Also called: Ciliary dyskinesia. Identifiers: Orphanet 244, MedGen C0008780, MONDO:0016575, HP:0012265.

Allele frequency attached by ClinVar (database versions not stated): gnomAD 0.00001; TOPMed 0.00001.
gnomAD v4.1: 4 of 1,474,890 alleles (0.00027%); highest among the groups gnomAD compares: African/African-American, 0.0059%; no homozygotes.

Submission:

Labcorp Genetics (formerly Invitae), Labcorp
Classification: Uncertain significance for Primary ciliary dyskinesia. Last evaluated: 2021-11-04. Review status: criteria provided, single submitter. Criteria: Invitae Variant Classification Sherloc (09022015). Collection method: clinical testing. Allele origin: germline.
Comment: This sequence change replaces glycine, which is neutral and non-polar, with glutamic acid, which is acidic and polar, at codon 5 of the MCIDAS protein (p.Gly5Glu). This variant is not present in population databases (gnomAD no frequency). This variant has not been reported in the literature in individuals affected with MCIDAS-related conditions. Algorithms developed to predict the effect of missense changes on protein structure and function output the following: SIFT: "Tolerated"; PolyPhen-2: "Benign"; Align-GVGD: "Class C0". The glutamic acid amino acid residue is found in multiple mammalian species, which suggests that this missense change does not adversely affect protein function. In summary, the available evidence is currently insufficient to determine the role of this variant in disease. Therefore, it has been classified as a Variant of Uncertain Significance.

NM_001190787.3(MCIDAS):c.14G>A (p.Gly5Glu)

Genes: MCIDAS (multiciliate differentiation and DNA synthesis associated cell cycle protein; minus strand), LOC129993892 (ATAC-STARR-seq lymphoblastoid silent region 16010; plus strand). Cytogenetic location: 5q11.2.
Variant type: single nucleotide variant.
Coding change: c.14G>A on transcript NM_001190787.3 (MANE Select); coding-DNA position 14, G replaced by A.
Protein change: p.Gly5Glu; replaces glycine 5 with glutamic acid.
Molecular consequence: missense variant.
Genome position (GRCh38, 1-based): chr5:55,227,125, C>T on the plus strand (G>A on the coding strand, the complement: MCIDAS is on the minus strand). VCF-style: chr5-55227125-C-T. GRCh37 (hg19) VCF-style: chr5-54522953-C-T.
Other names: short protein forms G5E.
Identifiers: ClinVar variation 1365047 (VCV001365047.6), dbSNP rs1438648674, ClinGen allele CA359734842.